The following is an entry in ClinVar:

NM_003718.5(CDK13):c.1171A>T (p.Ser391Cys)

Gene: CDK13 (cyclin dependent kinase 13; plus strand). Cytogenetic location: 7p14.1.
Variant type: single nucleotide variant.
Coding change: c.1171A>T on transcript NM_003718.5 (MANE Select); coding-DNA position 1171, A replaced by T.
Protein change: p.Ser391Cys; replaces serine 391 with cysteine.
Molecular consequence: missense variant.
Genome position (GRCh38, 1-based): chr7:39,951,812, A>T. VCF-style: chr7-39951812-A-T. GRCh37 (hg19) VCF-style: chr7-39991411-A-T.
Other names: c.1171A>T, p.Ser391Cys (NM_031267.4); short protein forms S391C.
Identifiers: ClinVar variation 4976004 (VCV004976004.1).
Genomic context (GRCh38, chr7:39,951,812, plus strand): 5'-AGCCGCCACAGCTCCTACGAGCGGGGCGGCGACGTGTCCCCTAGTCCCTACAGCAGCAGC[A>T]GCTGGCGCCGCTCTCGCAGTCCCTACAGCCCTGTGCTCAGGTGAGTTCTGCCGTTCTGCC-3'
Protein context (NP_003709.3, residues 381-401): DVSPSPYSSS[Ser391Cys]WRRSRSPYSP

ClinVar aggregate classification (germline): Uncertain significance (1 of 4 stars; one submission).

Submission:

GeneDx
Classification: Uncertain significance. Last evaluated: 2026-01-31. Review status: criteria provided, single submitter. Criteria: GeneDx Variant Classification Process June 2021. Collection method: clinical testing. Allele origin: germline.
Comment: Not observed at significant frequency in large population cohorts (gnomAD); In silico analysis suggests that this missense variant does not alter protein structure/function; Has not been previously published as pathogenic or benign to our knowledge